The following is an entry in ClinVar:

ClinVar aggregate classification (germline): Uncertain significance (1 of 4 stars; one submission).

Allele frequency attached by ClinVar (database versions not stated): TOPMed below 0.00001; gnomAD 0.00001.
gnomAD v4.1: 1 of 1,209,277 alleles (0.000083%); highest among the groups gnomAD compares: Non-Finnish European, 0.00011%; no homozygotes.

Submission:

Labcorp Genetics (formerly Invitae), Labcorp
Classification: Uncertain significance. Last evaluated: 2019-10-22. Review status: criteria provided, single submitter. Criteria: Invitae Variant Classification Sherloc (09022015). Collection method: clinical testing. Allele origin: germline.
Comment: In summary, the available evidence is currently insufficient to determine the role of this variant in disease. Therefore, it has been classified as a Variant of Uncertain Significance. Algorithms developed to predict the effect of missense changes on protein structure and function (SIFT, PolyPhen-2, Align-GVGD) all suggest that this variant is likely to be tolerated, but these predictions have not been confirmed by published functional studies and their clinical significance is uncertain. This sequence change replaces glutamic acid with glycine at codon 439 of the FRMD7 protein (p.Glu439Gly). The glutamic acid residue is weakly conserved and there is a moderate physicochemical difference between glutamic acid and glycine. This variant is not present in population databases (ExAC no frequency). This variant has not been reported in the literature in individuals with FRMD7-related conditions.

NM_194277.3(FRMD7):c.1316A>G (p.Glu439Gly)

Gene: FRMD7 (FERM domain containing 7; minus strand). Cytogenetic location: Xq26.2.
Variant type: single nucleotide variant.
Coding change: c.1316A>G on transcript NM_194277.3 (MANE Select); coding-DNA position 1316, A replaced by G.
Protein change: p.Glu439Gly; replaces glutamic acid 439 with glycine.
Molecular consequence: missense variant.
Genome position (GRCh38, 1-based): chrX:132,078,701, T>C on the plus strand (A>G on the coding strand, the complement: FRMD7 is on the minus strand). VCF-style: chrX-132078701-T-C. GRCh37 (hg19) VCF-style: chrX-131212729-T-C.
Other names: c.1271A>G, p.Glu424Gly (NM_001306193.2); short protein forms E424G, E439G.
Identifiers: ClinVar variation 955282 (VCV000955282.9), dbSNP rs1164599839, ClinGen allele CA414679358.